The following is an entry in ClinVar:

NM_005560.6(LAMA5):c.9112C>T (p.Arg3038Cys)

Gene: LAMA5 (laminin subunit alpha 5; minus strand). Cytogenetic location: 20q13.33.
Variant type: single nucleotide variant.
Coding change: c.9112C>T on transcript NM_005560.6 (MANE Select); coding-DNA position 9112, C replaced by T.
Protein change: p.Arg3038Cys; replaces arginine 3038 with cysteine.
Molecular consequence: missense variant.
Genome position (GRCh38, 1-based): chr20:62,312,747, G>A on the plus strand (C>T on the coding strand, the complement: LAMA5 is on the minus strand). VCF-style: chr20-62312747-G-A. GRCh37 (hg19) VCF-style: chr20-60887803-G-A.
Other names: short protein forms R3038C.
Identifiers: ClinVar variation 1386120 (VCV001386120.8), dbSNP rs371420868, ClinGen allele CA9940411.

ClinVar aggregate classification (germline): Uncertain significance (1 of 4 stars; one submission).

Allele frequency attached by ClinVar (database versions not stated): gnomAD 0.00001; TOPMed 0.00001; gnomAD exomes 0.00003; ExAC 0.00007; ESP Exome Variant Server 0.00008.
gnomAD v4.1: 12 of 1,590,204 alleles (0.00075%); highest among the groups gnomAD compares: East Asian, 0.0023%; no homozygotes.

Submission:

Labcorp Genetics (formerly Invitae), Labcorp
Classification: Uncertain significance. Last evaluated: 2022-06-20. Review status: criteria provided, single submitter. Criteria: Invitae Variant Classification Sherloc (09022015). Collection method: clinical testing. Allele origin: germline.
Comment: This sequence change replaces arginine, which is basic and polar, with cysteine, which is neutral and slightly polar, at codon 3038 of the LAMA5 protein (p.Arg3038Cys). In summary, the available evidence is currently insufficient to determine the role of this variant in disease. Therefore, it has been classified as a Variant of Uncertain Significance. Algorithms developed to predict the effect of sequence changes on RNA splicing suggest that this variant may create or strengthen a splice site. Algorithms developed to predict the effect of missense changes on protein structure and function are either unavailable or do not agree on the potential impact of this missense change (SIFT: "Deleterious"; PolyPhen-2: "Benign"; Align-GVGD: "Class C0"). This variant has not been reported in the literature in individuals affected with LAMA5-related conditions. This variant is present in population databases (rs371420868, gnomAD 0.03%).